The following is an entry in ClinVar:

NM_207361.6(FREM2):c.8460C>G (p.Ala2820=)

Gene: FREM2 (FRAS1 related extracellular matrix 2; plus strand). Cytogenetic location: 13q13.3.
Variant type: single nucleotide variant.
Coding change: c.8460C>G on transcript NM_207361.6 (MANE Select); coding-DNA position 8460, C replaced by G.
Protein change: p.Ala2820=; no amino-acid change (alanine 2820 retained).
Molecular consequence: synonymous variant.
Genome position (GRCh38, 1-based): chr13:38,876,298, C>G. VCF-style: chr13-38876298-C-G. GRCh37 (hg19) VCF-style: chr13-39450435-C-G.
Identifiers: ClinVar variation 593856 (VCV000593856.36), dbSNP rs138775857, ClinGen allele CA6956143.

ClinVar aggregate classification (germline): Benign/Likely benign. Review status: criteria provided, multiple submitters, no conflicts (2 of 4 stars). 9 submissions from 9 submitters: Benign (2); Likely benign (5). 2 of the submissions do not count toward it. Last evaluated 2026-07-01.

Conditions:
Isolated cryptophthalmia. Also called: Cryptophthalmos, unilateral or bilateral, isolated; ANKYLOBLEPHARON, SIMPLE. Identifiers: Orphanet 91396, MedGen C1852453, MONDO:0007410, OMIM 123570.
Fraser syndrome 2 (FRASRS2). Identifiers: MedGen C4540036, MONDO:0054738, OMIM 617666.

Allele frequency attached by ClinVar (database versions not stated): gnomAD exomes 0.00425 and 0.00226; 1000 Genomes Project 0.00100; 1000 Genomes Project 30x 0.00109; ExAC 0.00211; TOPMed 0.00280; gnomAD 0.00316 and 0.00325; ESP Exome Variant Server 0.00392.
gnomAD v4.1: 6,661 of 1,613,902 alleles (0.41%); highest among the groups gnomAD compares: Non-Finnish European, 0.52%; 23 homozygotes.

Submissions (9):

CeGaT Center for Human Genetics Tuebingen
Classification: Likely benign. Last evaluated: 2026-07-01. Review status: criteria provided, single submitter. Criteria: CeGaT Center For Human Genetics Tuebingen Variant Classification Criteria Version 2. Collection method: clinical testing. Allele origin: germline. Affected: yes. Observed: 4 variant alleles.
Comment: FREM2: BP4, BP7, BS2

Labcorp Genetics (formerly Invitae), Labcorp
Classification: Benign. Last evaluated: 2026-01-30. Review status: criteria provided, single submitter. Criteria: Invitae Variant Classification Sherloc (09022015). Collection method: clinical testing. Allele origin: germline.

Blueprint Genetics
Classification: Likely benign. Last evaluated: 2024-11-27. Review status: criteria provided, single submitter. Criteria: ACMG Guidelines, 2015. Collection method: clinical testing. Allele origin: germline.

Fulgent Genetics
Classification: Likely benign for Isolated cryptophthalmia; Fraser syndrome 2. Last evaluated: 2021-09-15. Review status: criteria provided, single submitter. Criteria: ACMG Guidelines, 2015. Collection method: clinical testing. Allele origin: unknown.

Illumina Laboratory Services, Illumina
Classification: Likely benign for Fraser syndrome 2. Last evaluated: 2018-01-13. Review status: criteria provided, single submitter. Criteria: ICSL Variant Classification Criteria 13 December 2019. Collection method: clinical testing. Allele origin: germline.
Comment: This variant was observed in the ICSL laboratory as part of a predisposition screen in an ostensibly healthy population. It had not been previously curated by ICSL or reported in the Human Gene Mutation Database (HGMD: prior to June 1st, 2018), and was therefore a candidate for classification through an automated scoring system. Utilizing variant allele frequency, disease prevalence and penetrance estimates, and inheritance mode, an automated score was calculated to assess if this variant is too frequent to cause the disease. Based on the score and internal cut-off values, a variant classified as likely benign is not then subjected to further curation. The score for this variant resulted in a classification of likely benign for this disease.

Eurofins Ntd Llc (ga)
Classification: Benign. Last evaluated: 2017-09-21. Review status: criteria provided, single submitter. Criteria: EGL Classification Definitions 2015. Collection method: clinical testing. Allele origin: germline. Observed: 1 variant allele, 1 heterozygote.

Breakthrough Genomics
Classification: Likely benign. Review status: criteria provided, single submitter. Criteria: ACMG Guidelines, 2015. Collection method: not provided. Allele origin: germline. Inheritance: Autosomal recessive inheritance. Affected: yes.

Clinical Genetics DNA and cytogenetics Diagnostics Lab, Erasmus MC, Erasmus Medical Center
Classification: Likely benign. Review status: no assertion criteria provided. Collection method: clinical testing. Allele origin: germline. Affected: yes. Study: VKGL Data-share Consensus. Not counted in ClinVar's aggregate classification.

Genome Diagnostics Laboratory, University Medical Center Utrecht
Classification: Likely benign. Review status: no assertion criteria provided. Collection method: clinical testing. Allele origin: germline. Affected: yes. Study: VKGL Data-share Consensus. Not counted in ClinVar's aggregate classification.